The following is an entry in ClinVar:

ClinVar aggregate classification (germline): Likely benign. Review status: criteria provided, single submitter (1 of 4 stars). 2 submissions from 2 submitters: Likely benign (1). 1 of the submissions does not count toward it. Last evaluated 2025-10-15.

Conditions:
EPG5-related disorder. Also called: EPG5-related condition. Identifiers: MedGen CN381528.
Vici syndrome (VICIS). Identifiers: Orphanet 1493, MedGen C1855772, MONDO:0009452, OMIM 242840.

Allele frequency attached by ClinVar (database versions not stated): ExAC 0.00001; gnomAD exomes 0.00001; ESP Exome Variant Server 0.00008; gnomAD 0.00009 and 0.00011; TOPMed 0.00016.
gnomAD v4.1: 24 of 1,614,110 alleles (0.0015%); highest among the groups gnomAD compares: African/African-American, 0.024%; no homozygotes.

Submissions (2):

Labcorp Genetics (formerly Invitae), Labcorp
Classification: Likely benign for Vici syndrome. Last evaluated: 2025-10-15. Review status: criteria provided, single submitter. Criteria: Invitae Variant Classification Sherloc (09022015). Collection method: clinical testing. Allele origin: germline.

PreventionGenetics, part of Exact Sciences
Classification: Likely benign for EPG5-related condition. Last evaluated: 2021-07-26. Review status: no assertion criteria provided. Collection method: clinical testing. Allele origin: germline. Not counted in ClinVar's aggregate classification.
Comment: This variant is classified as likely benign based on ACMG/AMP sequence variant interpretation guidelines (Richards et al. 2015 PMID: 25741868, with internal and published modifications).

NM_020964.3(EPG5):c.858C>T (p.Asp286=)

Gene: EPG5 (ectopic P-granules 5 autophagy tethering factor; minus strand). Cytogenetic location: 18q21.1.
Variant type: single nucleotide variant.
Coding change: c.858C>T on transcript NM_020964.3 (MANE Select); coding-DNA position 858, C replaced by T.
Protein change: p.Asp286=; no amino-acid change (aspartic acid 286 retained).
Molecular consequence: synonymous variant.
Genome position (GRCh38, 1-based): chr18:45,954,544, G>A on the plus strand (C>T on the coding strand, the complement: EPG5 is on the minus strand). VCF-style: chr18-45954544-G-A. GRCh37 (hg19) VCF-style: chr18-43534510-G-A.
Other names: c.858C>T (NM_020964.2).
Identifiers: ClinVar variation 1646312 (VCV001646312.11), dbSNP rs368125864, ClinGen allele CA8949879.